The following is an entry in ClinVar:

NM_000382.3(ALDH3A2):c.464T>A (p.Leu155Ter)

Gene: ALDH3A2 (aldehyde dehydrogenase 3 family member A2; plus strand). Cytogenetic location: 17p11.2.
Variant type: single nucleotide variant.
Coding change: c.464T>A on transcript NM_000382.3 (MANE Select); coding-DNA position 464, T replaced by A.
Protein change: p.Leu155Ter; replaces leucine 155 with a stop codon.
Molecular consequence: nonsense. On other transcripts: 5 prime UTR variant (1).
Genome position (GRCh38, 1-based): chr17:19,652,625, T>A. VCF-style: chr17-19652625-T-A. GRCh37 (hg19) VCF-style: chr17-19555938-T-A.
Other names: c.464T>A, p.Leu155Ter (NM_001031806.2, NM_001369136.1, NM_001369137.2 and 3 more transcripts); c.-225T>A (NM_001369148.2); short protein forms L155*.
Identifiers: ClinVar variation 983808 (VCV000983808.3), dbSNP rs2544360487, ClinGen allele CA398703466.

ClinVar aggregate classification (germline): Likely pathogenic (1 of 4 stars; one submission).

Conditions:
Sjögren-Larsson syndrome (SLS). Also called: FATTY ALCOHOL:NAD+ OXIDOREDUCTASE DEFICIENCY; FATTY ALDEHYDE DEHYDROGENASE DEFICIENCY; ICHTHYOSIS, SPASTIC NEUROLOGIC DISORDER, AND OLIGOPHRENIA; FALDH DEFICIENCY. Identifiers: Orphanet 816, MedGen C0037231, MONDO:0010031, OMIM 270200.

Submission:

Myriad Genetics, Inc.
Classification: Likely pathogenic for Sjögren-Larsson syndrome. Last evaluated: 2020-01-27. Review status: criteria provided, single submitter. Criteria: Myriad Women's Health Autosomal Recessive and X-Linked Classification Criteria (2019). Collection method: clinical testing. Allele origin: unknown.
Comment: NM_000382.2(ALDH3A2):c.464T>A(L155*) is expected to be pathogenic in the context of Sjogren-Larsson syndrome. This variant is predicted to lead to an abnormal or absent protein product due to the creation of a premature termination codon in ALDH3A2, a gene where loss-of-function variants are known to be pathogenic. Please note: this variant was assessed in the context of healthy population screening.